The following is an entry in ClinVar:

NM_001232.4(CASQ2):c.466C>T (p.Gln156Ter)

Gene: CASQ2 (calsequestrin 2; minus strand). Cytogenetic location: 1p13.1.
Variant type: single nucleotide variant.
Coding change: c.466C>T on transcript NM_001232.4 (MANE Select); coding-DNA position 466, C replaced by T.
Protein change: p.Gln156Ter; replaces glutamine 156 with a stop codon.
Molecular consequence: nonsense.
Genome position (GRCh38, 1-based): chr1:115,738,290, G>A on the plus strand (C>T on the coding strand, the complement: CASQ2 is on the minus strand). VCF-style: chr1-115738290-G-A. GRCh37 (hg19) VCF-style: chr1-116280911-G-A.
Other names: short protein forms Q156*.
Identifiers: ClinVar variation 942279 (VCV000942279.9), dbSNP rs1648034747, ClinGen allele CA341763920.

ClinVar aggregate classification (germline): Pathogenic (1 of 4 stars; one submission).

Conditions:
Catecholaminergic polymorphic ventricular tachycardia 1. Also called: VENTRICULAR TACHYCARDIA, CATECHOLAMINERGIC POLYMORPHIC, 1, WITH OR WITHOUT ATRIAL DYSFUNCTION AND/OR DILATED CARDIOMYOPATHY; VENTRICULAR TACHYCARDIA, STRESS-INDUCED POLYMORPHIC 1; RYR2-Related Catecholaminergic Polymorphic Ventricular Tachycardia. Identifiers: Orphanet 3286, MedGen C1631597, MONDO:0011484, OMIM 604772.

Allele frequency attached by ClinVar (database versions not stated): gnomAD exomes below 0.00001.

Submission:

Labcorp Genetics (formerly Invitae), Labcorp
Classification: Pathogenic for Catecholaminergic polymorphic ventricular tachycardia 1. Last evaluated: 2023-09-26. Review status: criteria provided, single submitter. Criteria: Invitae Variant Classification Sherloc (09022015). Collection method: clinical testing. Allele origin: germline.
Comment: For these reasons, this variant has been classified as Pathogenic. ClinVar contains an entry for this variant (Variation ID: 942279). This variant has not been reported in the literature in individuals affected with CASQ2-related conditions. This variant is not present in population databases (gnomAD no frequency). This sequence change creates a premature translational stop signal (p.Gln156*) in the CASQ2 gene. It is expected to result in an absent or disrupted protein product. Loss-of-function variants in CASQ2 are known to be pathogenic (PMID: 12386154).

Literature cited by the submitters: PubMed 12386154.